The following is an entry in ClinVar:

NM_173551.5(ANKS6):c.907+2T>A

Gene: ANKS6 (ankyrin repeat and sterile alpha motif domain containing 6; minus strand). Cytogenetic location: 9q22.33.
Variant type: single nucleotide variant.
Coding change: c.907+2T>A on transcript NM_173551.5 (MANE Select); the canonical splice donor site of the intron after coding-DNA position 907, T replaced by A.
Molecular consequence: splice donor variant.
Genome position (GRCh38, 1-based): chr9:98,784,830, A>T on the plus strand (T>A on the coding strand, the complement: ANKS6 is on the minus strand). VCF-style: chr9-98784830-A-T. GRCh37 (hg19) VCF-style: chr9-101547112-A-T.
Identifiers: ClinVar variation 1031266 (VCV001031266.1), dbSNP rs1438673595, ClinGen allele CA374217596.
Genomic context (GRCh38, chr9:98,784,830, plus strand): 5'-TAGGTTGGGAGAATGTAGCCCTATATTCTTAAATATCCAAAAAGATTTTCTAAAGCGCTT[A>T]CCCATTTTCAATGCATGGAAAATATCAGGTCGCCTTTTCTCCTCATCTGGGTAAACAAAG-3'

ClinVar aggregate classification (germline): Pathogenic (1 of 4 stars; one submission).

Conditions:
Nephronophthisis 16 (NPHP16). Identifiers: Orphanet 655, MedGen C3809320, MONDO:0014158, OMIM 615382.

Allele frequency attached by ClinVar (database versions not stated): gnomAD exomes below 0.00001 and 0.00001.
gnomAD v4.1: 4 of 1,612,558 alleles (0.00025%); highest among the groups gnomAD compares: Non-Finnish European, 0.00034%; no homozygotes.

Submission:

Baylor Genetics
Classification: Pathogenic for Nephronophthisis 16. Last evaluated: 2020-06-09. Review status: criteria provided, single submitter. Criteria: ACMG Guidelines, 2015. Collection method: clinical testing. Allele origin: unknown. Affected: yes.
Comment: This variant was determined to be pathogenic according to ACMG Guidelines, 2015 [PMID:25741868].